The following is an entry in ClinVar:

ClinVar aggregate classification (germline): Uncertain significance (1 of 4 stars; one submission).

gnomAD v4.1: 6 of 1,612,966 alleles (0.00037%); highest among the groups gnomAD compares: Non-Finnish European, 0.00051%; no homozygotes.

Submission:

Labcorp Genetics (formerly Invitae), Labcorp
Classification: Uncertain significance. Last evaluated: 2025-10-13. Review status: criteria provided, single submitter. Criteria: Invitae Variant Classification Sherloc (09022015). Collection method: clinical testing. Allele origin: germline.
Comment: This sequence change replaces serine, which is neutral and polar, with leucine, which is neutral and non-polar, at codon 163 of the ADGRB2 protein (p.Ser163Leu). This variant is present in population databases (rs766689237, gnomAD 0.0009%). This variant has not been reported in the literature in individuals affected with ADGRB2-related conditions. An algorithm developed to predict the effect of missense changes on protein structure and function (PolyPhen-2) suggests that this variant is likely to be disruptive. In summary, the available evidence is currently insufficient to determine the role of this variant in disease. Therefore, it has been classified as a Variant of Uncertain Significance.

NM_001364857.2(ADGRB2):c.488C>T (p.Ser163Leu)

Gene: ADGRB2 (adhesion G protein-coupled receptor B2; minus strand). Cytogenetic location: 1p35.2.
Variant type: single nucleotide variant.
Coding change: c.488C>T on transcript NM_001364857.2 (MANE Select); coding-DNA position 488, C replaced by T.
Protein change: p.Ser163Leu; replaces serine 163 with leucine.
Molecular consequence: missense variant.
Genome position (GRCh38, 1-based): chr1:31,756,349, G>A on the plus strand (C>T on the coding strand, the complement: ADGRB2 is on the minus strand). VCF-style: chr1-31756349-G-A. GRCh37 (hg19) VCF-style: chr1-32221950-G-A.
Other names: c.488C>T, p.Ser163Leu (NM_001294335.2, NM_001294336.2); short protein forms S163L.
Identifiers: ClinVar variation 4738859 (VCV004738859.1).